The following is an entry in ClinVar:

NM_015122.3(FCHO1):c.2492G>A (p.Arg831His)

Gene: FCHO1 (FCH and mu domain containing endocytic adaptor 1; plus strand). Cytogenetic location: 19p13.11.
Variant type: single nucleotide variant.
Coding change: c.2492G>A on transcript NM_015122.3 (MANE Select); coding-DNA position 2492, G replaced by A.
Protein change: p.Arg831His; replaces arginine 831 with histidine.
Molecular consequence: missense variant. On other transcripts: synonymous variant (3), non-coding transcript variant (36).
Genome position (GRCh38, 1-based): chr19:17,787,691, G>A. VCF-style: chr19-17787691-G-A. GRCh37 (hg19) VCF-style: chr19-17898500-G-A.
Other names: c.2492G>A, p.Arg831His (NM_001161357.2, NM_001161358.2, NM_001384370.1 and 11 more transcripts); c.2342G>A, p.Arg781His (NM_001161359.2, NM_001384384.1, NM_001384385.1 and 1 more transcripts); c.2471G>A, p.Arg824His (NM_001384387.1); c.2453G>A, p.Arg818His (NM_001384388.1, NM_001384389.1); c.2417G>A, p.Arg806His (NM_001384390.1); c.2292G>A, p.Pro764= (NM_001384391.1); c.2375G>A, p.Arg792His (NM_001384392.1, NM_001384393.1, NM_001384394.1 and 1 more transcripts); c.2216G>A, p.Arg739His (NM_001384396.1, NM_001384397.1, NM_001384398.1 and 4 more transcripts); and 5 more; short protein forms R530H, R806H, R831H, R724H, R792H, R739H, R781H, R707H.
Identifiers: ClinVar variation 1513358 (VCV001513358.7), dbSNP rs1404579278, ClinGen allele CA404758846.

ClinVar aggregate classification (germline): Uncertain significance (1 of 4 stars; one submission).

Allele frequency attached by ClinVar (database versions not stated): gnomAD exomes 0.00001.
gnomAD v4.1: 7 of 1,558,514 alleles (0.00045%); highest among the groups gnomAD compares: South Asian, 0.0012%; no homozygotes.

Submission:

Labcorp Genetics (formerly Invitae), Labcorp
Classification: Uncertain significance. Last evaluated: 2023-12-11. Review status: criteria provided, single submitter. Criteria: Invitae Variant Classification Sherloc (09022015). Collection method: clinical testing. Allele origin: germline.
Comment: This sequence change replaces arginine, which is basic and polar, with histidine, which is basic and polar, at codon 831 of the FCHO1 protein (p.Arg831His). The frequency data for this variant in the population databases is considered unreliable, as metrics indicate poor data quality at this position in the gnomAD database. This variant has not been reported in the literature in individuals affected with FCHO1-related conditions. ClinVar contains an entry for this variant (Variation ID: 1513358). Algorithms developed to predict the effect of missense changes on protein structure and function output the following: SIFT: "Not Available"; PolyPhen-2: "Benign"; Align-GVGD: "Not Available". The histidine amino acid residue is found in multiple mammalian species, which suggests that this missense change does not adversely affect protein function. In summary, the available evidence is currently insufficient to determine the role of this variant in disease. Therefore, it has been classified as a Variant of Uncertain Significance.